The following is an entry in ClinVar:

ClinVar aggregate classification (germline): Benign/Likely benign. Review status: criteria provided, multiple submitters, no conflicts (2 of 4 stars). 3 submissions from 2 submitters: Benign (2); Likely benign (1). Last evaluated 2018-01-13.

Conditions:
Sacral defect with anterior meningocele. Identifiers: MedGen C1838568, OMIM 600145.
Neural tube defect (NTD). Also called: Neural tube defects. Identifiers: Orphanet 3388, Orphanet 823, MedGen C0027794, MONDO:0018075, HP:0045005.

Allele frequency attached by ClinVar (database versions not stated): gnomAD 0.41289 and 0.41406; TOPMed 0.41775; 1000 Genomes Project 0.43750; 1000 Genomes Project 30x 0.44097; gnomAD exomes 0.75000.
gnomAD v4.1: 62,831 of 152,030 alleles (41%); highest among the groups gnomAD compares: African/African-American, 49%; 13,245 homozygotes.

Submissions (3):

Illumina Laboratory Services, Illumina
Classification: Benign for Sacral defect with anterior meningocele. Last evaluated: 2018-01-13. Review status: criteria provided, single submitter. Criteria: ICSL Variant Classification Criteria 13 December 2019. Collection method: clinical testing. Allele origin: germline.
Comment: This variant was observed in the ICSL laboratory as part of a predisposition screen in an ostensibly healthy population. It had not been previously curated by ICSL or reported in the Human Gene Mutation Database (HGMD: prior to June 1st, 2018), and was therefore a candidate for classification through an automated scoring system. Utilizing variant allele frequency, disease prevalence and penetrance estimates, and inheritance mode, an automated score was calculated to assess if this variant is too frequent to cause the disease. Based on the score and internal cut-off values, a variant classified as benign is not then subjected to further curation. The score for this variant resulted in a classification of benign for this disease.

Illumina Laboratory Services, Illumina
Classification: Benign for Neural tube defects, susceptibility to. Last evaluated: 2018-01-13. Review status: criteria provided, single submitter. Criteria: ICSL Variant Classification Criteria 13 December 2019. Collection method: clinical testing. Allele origin: germline.
Comment: the same text as in the submission from Illumina Laboratory Services, Illumina above.

Breakthrough Genomics
Classification: Likely benign. Review status: criteria provided, single submitter. Criteria: ACMG Guidelines, 2015. Collection method: not provided. Allele origin: germline. Inheritance: Autosomal dominant inheritance. Affected: yes.

NM_138959.3(VANGL1):c.*5751A>G

Gene: VANGL1 (VANGL planar cell polarity protein 1; plus strand). Cytogenetic location: 1p13.1.
Variant type: single nucleotide variant.
Coding change: c.*5751A>G on transcript NM_138959.3 (MANE Select); 5751 bases downstream of the stop codon, A replaced by G.
Molecular consequence: 3 prime UTR variant.
Genome position (GRCh38, 1-based): chr1:115,697,130, A>G. VCF-style: chr1-115697130-A-G. GRCh37 (hg19) VCF-style: chr1-116239751-A-G.
Other names: c.*5751A>G (NM_001172411.2, NM_001172412.2).
Identifiers: ClinVar variation 292095 (VCV000292095.8), dbSNP rs10801933, ClinGen allele CA10607437.